The following is an entry in ClinVar:

ClinVar aggregate classification (germline): Likely benign (1 of 4 stars; one submission).

Allele frequency attached by ClinVar (database versions not stated): TOPMed below 0.00001; gnomAD 0.00005; 1000 Genomes Project 0.00020; 1000 Genomes Project 30x 0.00062.
gnomAD v4.1: 27 of 1,611,986 alleles (0.0017%); highest among the groups gnomAD compares: South Asian, 0.029%; 1 homozygote.

Submission:

CeGaT Center for Human Genetics Tuebingen
Classification: Likely benign. Last evaluated: 2022-12-01. Review status: criteria provided, single submitter. Criteria: CeGaT Center For Human Genetics Tuebingen Variant Classification Criteria Version 2. Collection method: clinical testing. Allele origin: germline. Affected: yes. Observed: 1 variant allele.
Comment: FLG: BP4, BP7

NM_002016.2(FLG):c.24C>T (p.Ile8=)

Genes: CCDST (cervical cancer associated DHX9 suppressive transcript; plus strand), FLG (filaggrin; minus strand). Cytogenetic location: 1q21.3.
Variant type: single nucleotide variant.
Coding change: c.24C>T on transcript NM_002016.2 (MANE Select); coding-DNA position 24, C replaced by T.
Protein change: p.Ile8=; no amino-acid change (isoleucine 8 retained).
Molecular consequence: synonymous variant.
Genome position (GRCh38, 1-based): chr1:152,315,433, G>A on the plus strand (C>T on the coding strand, the complement: FLG is on the minus strand). VCF-style: chr1-152315433-G-A. GRCh37 (hg19) VCF-style: chr1-152287909-G-A.
Identifiers: ClinVar variation 2639328 (VCV002639328.24), dbSNP rs543143803, ClinGen allele CA30571008.